The following is an entry in ClinVar:

ClinVar aggregate classification (germline): Pathogenic (1 of 4 stars; one submission).

Conditions:
Usher syndrome type 1 (USH1). Also called: RETINITIS PIGMENTOSA AND CONGENITAL DEAFNESS. Identifiers: Orphanet 231169, Orphanet 886, MedGen C1568247, MONDO:0010168, OMIM 276900.

Submission:

Myriad Genetics, Inc.
Classification: Pathogenic for Usher syndrome type 1. Last evaluated: 2023-09-05. Review status: criteria provided, single submitter. Criteria: Myriad Autosomal Dominant, Autosomal Recessive and X-Linked Classification Criteria (2023). Collection method: clinical testing. Allele origin: unknown.
Comment: NM_000260.3(MYO7A):c.2098_2102del5(D700Pfs*9) is expected to be pathogenic in the context of MYO7A-related disorders. This variant is predicted to lead to an abnormal or absent protein product due to the creation of a premature termination codon in MYO7A, a gene where loss-of-function variants are known to be pathogenic. Please note: this variant was assessed in the context of healthy population screening.

NM_000260.4(MYO7A):c.2098_2102del (p.Asp700fs)

Gene: MYO7A (myosin VIIA; plus strand). Cytogenetic location: 11q13.5.
Variant type: Deletion.
Coding change: c.2098_2102del on transcript NM_000260.4 (MANE Select); coding-DNA positions 2098 to 2102, 5 bases deleted (GACCT; older notation c.2098_2102delGACCT).
Protein change: p.Asp700fs; shifts the reading frame from aspartic acid 700.
Molecular consequence: frameshift variant.
Genome position (GRCh38, 1-based): chr11:77,175,375-77,175,379, GACCT deleted. VCF-style (leftmost placement, unchanged base first): chr11-77175374-CGACCT-C. GRCh37 (hg19) VCF-style: chr11-76886420-CGACCT-C.
Other names: c.2098_2102del, p.Asp700fs (NM_001127180.2); c.2065_2069del, p.Asp689fs (NM_001369365.1); short protein forms D689fs, D700fs.
Identifiers: ClinVar variation 5011560 (VCV005011560.1).